The following is an entry in ClinVar:

ClinVar aggregate classification (germline): Uncertain significance (1 of 4 stars; one submission).

Allele frequency attached by ClinVar (database versions not stated): TOPMed below 0.00001; gnomAD exomes 0.00002.
gnomAD v4.1: 14 of 1,613,820 alleles (0.00087%); highest among the groups gnomAD compares: Non-Finnish European, 0.0012%; no homozygotes.

Submission:

Ambry Genetics
Classification: Uncertain significance. Last evaluated: 2023-01-22. Review status: criteria provided, single submitter. Criteria: Ambry Variant Classification Scheme 2023. Collection method: clinical testing. Allele origin: germline.
Comment: The p.A415V variant (also known as c.1244C>T), located in coding exon 8 of the CTNNA3 gene, results from a C to T substitution at nucleotide position 1244. The alanine at codon 415 is replaced by valine, an amino acid with similar properties. This amino acid position is conserved. In addition, this alteration is predicted to be deleterious by in silico analysis. Since supporting evidence is limited at this time, the clinical significance of this alteration remains unclear.

NM_013266.4(CTNNA3):c.1244C>T (p.Ala415Val)

Gene: CTNNA3 (catenin alpha 3; minus strand). Cytogenetic location: 10q21.3.
Variant type: single nucleotide variant.
Coding change: c.1244C>T on transcript NM_013266.4 (MANE Select); coding-DNA position 1244, C replaced by T.
Protein change: p.Ala415Val; replaces alanine 415 with valine.
Molecular consequence: missense variant.
Genome position (GRCh38, 1-based): chr10:66,766,301, G>A on the plus strand (C>T on the coding strand, the complement: CTNNA3 is on the minus strand). VCF-style: chr10-66766301-G-A. GRCh37 (hg19) VCF-style: chr10-68526059-G-A.
Other names: c.1244C>T, p.Ala415Val (NM_001127384.3); short protein forms A415V.
Identifiers: ClinVar variation 2497546 (VCV002497546.2), dbSNP rs1839849767, ClinGen allele CA377091846.